The following is an entry in ClinVar:

NM_001267550.2(TTN):c.30883G>T (p.Glu10295Ter)

Gene: TTN (titin; minus strand). Cytogenetic location: 2q31.2.
Variant type: single nucleotide variant.
Coding change: c.30883G>T on transcript NM_001267550.2 (MANE Select); coding-DNA position 30883, G replaced by T.
Protein change: p.Glu10295Ter; replaces glutamic acid 10295 with a stop codon.
Molecular consequence: nonsense. On other transcripts: intron variant (3).
Genome position (GRCh38, 1-based): chr2:178,696,189, C>A on the plus strand (G>T on the coding strand, the complement: TTN is on the minus strand). VCF-style: chr2-178696189-C-A. GRCh37 (hg19) VCF-style: chr2-179560916-C-A.
Other names: c.29932G>T, p.Glu9978Ter (NM_001256850.1); c.27151G>T, p.Glu9051Ter (NM_133378.4); c.13282+41893G>T (NM_003319.4); c.13858+41893G>T (NM_133437.4); c.13657+41893G>T (NM_133432.3); short protein forms E10295*, E9051*, E9978*.
Identifiers: ClinVar variation 3233250 (VCV003233250.2), dbSNP rs2474711823.

ClinVar aggregate classification (germline): Likely pathogenic (1 of 4 stars; one submission).

Conditions:
Centronuclear myopathy (CNM). Also called: Centronuclear myopathy, congenital; Myotubular myopathy. Identifiers: Orphanet 595, MedGen C0175709, MONDO:0018947. Inheritance: All.

Allele frequency attached by ClinVar (database versions not stated): gnomAD exomes below 0.00001.
gnomAD v4.1: 1 of 1,560,636 alleles (0.000064%); highest among the groups gnomAD compares: Non-Finnish European, 0.000087%; no homozygotes.

Submission:

Muscle and Diseases Team, Institut de Génétique et Biologie Moléculaire et Cellulaire
Classification: Likely pathogenic for Centronuclear myopathy. Last evaluated: 2024-03-01. Review status: criteria provided, single submitter. Criteria: ACMG Guidelines, 2015. Collection method: research. Allele origin: unknown. Affected: yes. Observed: 1 variant allele.
Comment: PVS1+PM2

Literature cited by the submitters: DOI 10.1186/s13073-024-01353-0.